The following is an entry in ClinVar:

ClinVar aggregate classification (germline): Uncertain significance (1 of 4 stars; one submission).

Conditions:
Norman-Roberts syndrome (LIS2). Also called: Lissencephaly 2 (Norman-Roberts type). Identifiers: Orphanet 89844, MedGen C0796089, MONDO:0009760, OMIM 257320.
Familial temporal lobe epilepsy 7. Identifiers: Orphanet 101046, MedGen C4225327, MONDO:0014639, OMIM 616436.

Allele frequency attached by ClinVar (database versions not stated): gnomAD exomes below 0.00001.
gnomAD v4.1: 1 of 1,596,162 alleles (0.000063%); highest among the groups gnomAD compares: Non-Finnish European, 0.000086%; no homozygotes.

Submission:

Labcorp Genetics (formerly Invitae), Labcorp
Classification: Uncertain significance for Familial temporal lobe epilepsy 7; Norman-Roberts syndrome. Last evaluated: 2023-03-29. Review status: criteria provided, single submitter. Criteria: Invitae Variant Classification Sherloc (09022015). Collection method: clinical testing. Allele origin: germline.
Comment: In summary, the available evidence is currently insufficient to determine the role of this variant in disease. Therefore, it has been classified as a Variant of Uncertain Significance. This sequence change falls in intron 28 of the RELN gene. It does not directly change the encoded amino acid sequence of the RELN protein. It affects a nucleotide within the consensus splice site. This variant is not present in population databases (gnomAD no frequency). This variant has not been reported in the literature in individuals affected with RELN-related conditions. Variants that disrupt the consensus splice site are a relatively common cause of aberrant splicing (PMID: 17576681, 9536098). Algorithms developed to predict the effect of sequence changes on RNA splicing suggest that this variant may create or strengthen a splice site.

Literature cited by the submitters: PubMed 17576681; PubMed 9536098.

NM_005045.4(RELN):c.4145+5A>G

Gene: RELN (reelin; minus strand). Cytogenetic location: 7q22.1.
Variant type: single nucleotide variant.
Coding change: c.4145+5A>G on transcript NM_005045.4 (MANE Select); 5 bases into the intron after coding-DNA position 4145, A replaced by G.
Molecular consequence: intron variant.
Genome position (GRCh38, 1-based): chr7:103,589,591, T>C on the plus strand (A>G on the coding strand, the complement: RELN is on the minus strand). VCF-style: chr7-103589591-T-C. GRCh37 (hg19) VCF-style: chr7-103230038-T-C.
Other names: c.4145+5A>G (NM_173054.3).
Identifiers: ClinVar variation 2940058 (VCV002940058.3), dbSNP rs1584322590, ClinGen allele CA1730802553.